The following is an entry in ClinVar:

ClinVar aggregate classification (germline): Uncertain significance. Review status: criteria provided, multiple submitters, no conflicts (2 of 4 stars). 2 submissions from 2 submitters: Uncertain significance (2). Last evaluated 2024-09-30.

Conditions:
Inborn genetic diseases. Identifiers: MedGen C0950123, MeSH D030342.

Allele frequency attached by ClinVar (database versions not stated): gnomAD exomes below 0.00001; TOPMed below 0.00001; ExAC 0.00001.
gnomAD v4.1: 2 of 1,614,130 alleles (0.00012%); no homozygotes.

Submissions (2):

Labcorp Genetics (formerly Invitae), Labcorp
Classification: Uncertain significance. Last evaluated: 2024-09-30. Review status: criteria provided, single submitter. Criteria: Invitae Variant Classification Sherloc (09022015). Collection method: clinical testing. Allele origin: germline.
Comment: This sequence change replaces valine, which is neutral and non-polar, with alanine, which is neutral and non-polar, at codon 436 of the MYO5B protein (p.Val436Ala). This variant is present in population databases (rs777901615, gnomAD 0.01%). This variant has not been reported in the literature in individuals affected with MYO5B-related conditions. ClinVar contains an entry for this variant (Variation ID: 1480294). Invitae Evidence Modeling of protein sequence and biophysical properties (such as structural, functional, and spatial information, amino acid conservation, physicochemical variation, residue mobility, and thermodynamic stability) has been performed for this missense variant. However, the output from this modeling did not meet the statistical confidence thresholds required to predict the impact of this variant on MYO5B protein function. In summary, the available evidence is currently insufficient to determine the role of this variant in disease. Therefore, it has been classified as a Variant of Uncertain Significance.

Ambry Genetics
Classification: Uncertain significance for Inborn genetic diseases. Last evaluated: 2023-05-31. Review status: criteria provided, single submitter. Criteria: Ambry Variant Classification Scheme 2023. Collection method: clinical testing. Allele origin: germline.

NM_001080467.3(MYO5B):c.1307T>C (p.Val436Ala)

Gene: MYO5B (myosin VB; minus strand). Cytogenetic location: 18q21.1.
Variant type: single nucleotide variant.
Coding change: c.1307T>C on transcript NM_001080467.3 (MANE Select); coding-DNA position 1307, T replaced by C.
Protein change: p.Val436Ala; replaces valine 436 with alanine.
Molecular consequence: missense variant.
Genome position (GRCh38, 1-based): chr18:49,974,365, A>G on the plus strand (T>C on the coding strand, the complement: MYO5B is on the minus strand). VCF-style: chr18-49974365-A-G. GRCh37 (hg19) VCF-style: chr18-47500735-A-G.
Other names: c.1307T>C (NM_001080467.2); short protein forms V436A.
Identifiers: ClinVar variation 1480294 (VCV001480294.8), dbSNP rs777901615, ClinGen allele CA8961586.
Genomic context (GRCh38, chr18:49,974,365, plus strand): 5'-GCCACTCCCAGGTAGCAGATAGAGCGAGACAGGCGGCAGGCCTACCCATAGATGTCCAGG[A>G]CCCCGATGAAGGAGTGCTGCTTGAGGGAGGTGTGCAGGGCCTTGTTGATGTGCTCCACAA-3'
Protein context (NP_001073936.1, residues 426-446): TSLKQHSFIG[Val436Ala]LDIYGFETFE